The following is an entry in ClinVar:

ClinVar aggregate classification (germline): Uncertain significance (1 of 4 stars; one submission).

Submission:

GeneDx
Classification: Uncertain significance. Last evaluated: 2024-12-12. Review status: criteria provided, single submitter. Criteria: GeneDx Variant Classification Process June 2021. Collection method: clinical testing. Allele origin: germline. Affected: yes.
Comment: Not observed at significant frequency in large population cohorts (gnomAD); In silico analysis indicates that this missense variant does not alter protein structure/function; Has not been previously published as pathogenic or benign to our knowledge.

NM_001046.3(SLC12A2):c.2705T>C (p.Met902Thr)

Gene: SLC12A2 (solute carrier family 12 member 2; plus strand). Cytogenetic location: 5q23.3.
Variant type: single nucleotide variant.
Coding change: c.2705T>C on transcript NM_001046.3 (MANE Select); coding-DNA position 2705, T replaced by C.
Protein change: p.Met902Thr; replaces methionine 902 with threonine.
Molecular consequence: missense variant. On other transcripts: non-coding transcript variant (1).
Genome position (GRCh38, 1-based): chr5:128,167,849, T>C. VCF-style: chr5-128167849-T-C. GRCh37 (hg19) VCF-style: chr5-127503541-T-C.
Other names: c.2705T>C, p.Met902Thr (NM_001256461.2); short protein forms M902T.
Identifiers: ClinVar variation 3902954 (VCV003902954.1).
Genomic context (GRCh38, chr5:128,167,849, plus strand): 5'-ACACACTTGTCCTTGGATTTAAGAAAGATTGGTTGCAAGCAGATATGAGGGATGTGGATA[T>C]GTATATAAACTTATTTCAGTAAGTATCTTTTTAATTCAATAATTTAGTTCATTTAGAAAA-3'
Protein context (NP_001037.1, residues 892-912): WLQADMRDVD[Met902Thr]YINLFHDAFD